The following is an entry in ClinVar:

ClinVar aggregate classification (germline): Uncertain significance. Review status: criteria provided, multiple submitters, no conflicts (2 of 4 stars). 2 submissions from 2 submitters: Uncertain significance (2). Last evaluated 2026-03-01.

Submissions (2):

CeGaT Center for Human Genetics Tuebingen
Classification: Uncertain significance. Last evaluated: 2026-03-01. Review status: criteria provided, single submitter. Criteria: CeGaT Center For Human Genetics Tuebingen Variant Classification Criteria Version 2. Collection method: clinical testing. Allele origin: germline. Affected: yes. Observed: 1 variant allele.
Comment: SMARCA2: PM2, PP2, PP3

Blueprint Genetics
Classification: Uncertain significance. Last evaluated: 2020-01-17. Review status: criteria provided, single submitter. Criteria: ACMG Guidelines, 2015. Collection method: clinical testing. Allele origin: germline.

NM_003070.5(SMARCA2):c.853G>T (p.Gly285Cys)

Gene: SMARCA2 (SWI/SNF related BAF chromatin remodeling complex subunit ATPase 2; plus strand). Cytogenetic location: 9p24.3.
Variant type: single nucleotide variant.
Coding change: c.853G>T on transcript NM_003070.5 (MANE Select); coding-DNA position 853, G replaced by T.
Protein change: p.Gly285Cys; replaces glycine 285 with cysteine.
Molecular consequence: missense variant.
Genome position (GRCh38, 1-based): chr9:2,047,291, G>T. VCF-style: chr9-2047291-G-T. GRCh37 (hg19) VCF-style: chr9-2047291-G-T.
Other names: c.853G>T, p.Gly285Cys (NM_001289396.2, NM_001289397.2, NM_139045.4); short protein forms G285C.
Identifiers: ClinVar variation 4823505 (VCV004823505.5).